The following is an entry in ClinVar:

NM_138554.5(TLR4):c.1329C>T (p.Phe443=)

Gene: TLR4 (toll like receptor 4; plus strand). Cytogenetic location: 9q33.1.
Variant type: single nucleotide variant.
Coding change: c.1329C>T on transcript NM_138554.5 (MANE Select); coding-DNA position 1329, C replaced by T.
Protein change: p.Phe443=; no amino-acid change (phenylalanine 443 retained).
Molecular consequence: synonymous variant.
Genome position (GRCh38, 1-based): chr9:117,713,457, C>T. VCF-style: chr9-117713457-C-T. GRCh37 (hg19) VCF-style: chr9-120475735-C-T.
Other names: c.1209C>T, p.Phe403= (NM_003266.4); c.729C>T, p.Phe243= (NM_138557.3).
Identifiers: ClinVar variation 713827 (VCV000713827.9), dbSNP rs5030716, ClinGen allele CA5212363.

ClinVar aggregate classification (germline): Likely benign. Review status: criteria provided, multiple submitters, no conflicts (2 of 4 stars). 2 submissions from 2 submitters: Likely benign (2). Last evaluated 2025-08-01.

Allele frequency attached by ClinVar (database versions not stated): 1000 Genomes Project 0.00040; 1000 Genomes Project 30x 0.00047; gnomAD exomes 0.00131 and 0.00232; ExAC 0.00139; gnomAD 0.00143; TOPMed 0.00144; ESP Exome Variant Server 0.00169.
gnomAD v4.1: 3,560 of 1,614,076 alleles (0.22%); highest among the groups gnomAD compares: Non-Finnish European, 0.26%; 10 homozygotes.

Submissions (2):

CeGaT Center for Human Genetics Tuebingen
Classification: Likely benign. Last evaluated: 2025-08-01. Review status: criteria provided, single submitter. Criteria: CeGaT Center For Human Genetics Tuebingen Variant Classification Criteria Version 2. Collection method: clinical testing. Allele origin: germline. Affected: yes. Observed: 1 variant allele.
Comment: TLR4: BP4, BP7

Labcorp Genetics (formerly Invitae), Labcorp
Classification: Likely benign. Last evaluated: 2018-07-20. Review status: criteria provided, single submitter. Criteria: Invitae Variant Classification Sherloc (09022015). Collection method: clinical testing. Allele origin: germline.